The following is an entry in ClinVar:

NM_000092.5(COL4A4):c.4678C>T (p.Arg1560Cys)

Gene: COL4A4 (collagen type IV alpha 4 chain; minus strand). Cytogenetic location: 2q36.3.
Variant type: single nucleotide variant.
Coding change: c.4678C>T on transcript NM_000092.5 (MANE Select); coding-DNA position 4678, C replaced by T.
Protein change: p.Arg1560Cys; replaces arginine 1560 with cysteine.
Molecular consequence: missense variant.
Genome position (GRCh38, 1-based): chr2:227,008,149, G>A on the plus strand (C>T on the coding strand, the complement: COL4A4 is on the minus strand). VCF-style: chr2-227008149-G-A. GRCh37 (hg19) VCF-style: chr2-227872865-G-A.
Other names: p.(Arg1560Cys); short protein forms R1560C.
Identifiers: ClinVar variation 334702 (VCV000334702.26), dbSNP rs200973262, ClinGen allele CA2144098.

ClinVar aggregate classification (germline): Conflicting classifications of pathogenicity. Review status: criteria provided, conflicting classifications (1 of 4 stars). 12 submissions from 11 submitters: Likely pathogenic (2); Uncertain significance (6); Likely benign (1). 3 of the submissions do not count toward it. Last evaluated 2026-06-03.

Conditions:
Alport syndrome. Also called: Hemorrhagic familial nephritis; Hemorrhagic hereditary nephritis; Congenital hereditary hematuria. Identifiers: Orphanet 63, MedGen C1567741, MONDO:0018965.
Autosomal dominant Alport syndrome (ATS3A). Also called: Alport syndrome dominant type; Renal failure and sensorineural hearing loss; ALPORT SYNDROME 3A, AUTOSOMAL DOMINANT. Identifiers: Orphanet 63, Orphanet 88918, MedGen C5882663, MONDO:0007086, OMIM 104200.
Inborn genetic diseases. Identifiers: MedGen C0950123, MeSH D030342.
Meniere disease. Also called: Ménière's disease. Identifiers: MedGen C0025281, MONDO:0007972, OMIM 156000.
Autosomal recessive Alport syndrome (ATS2). Also called: COL4A4 Alport Syndrome and Thin Basement Membrane Nephropathy; ALPORT SYNDROME 2, AUTOSOMAL RECESSIVE; COL4A3-Related Nephropathy; Alport syndrome type 2. Identifiers: Orphanet 63, Orphanet 88919, MedGen C4746745, MONDO:0008762, OMIM 203780.

Allele frequency attached by ClinVar (database versions not stated): gnomAD exomes 0.00007 and 0.00004; ExAC 0.00008; gnomAD 0.00007 and 0.00008; TOPMed 0.00006.
gnomAD v4.1: 72 of 1,613,874 alleles (0.0045%); highest among the groups gnomAD compares: Middle Eastern, 0.033%; no homozygotes.

Submissions (12):

Centre de Génétique Humaine, Institut de Pathologie Et de Génétique
Classification: Likely pathogenic for Autosomal recessive Alport syndrome. Last evaluated: 2026-06-03. Review status: criteria provided, single submitter. Criteria: ACMG Guidelines, 2015. Collection method: clinical testing. Allele origin: germline. Inheritance: Autosomal recessive inheritance. Affected: yes. Observed: 1 variant allele, 1 compound heterozygote. Segregation with disease observed.
Comment: This missense variant involves a weakly conserved arginine located in the carboxy-terminal domaine (PP2). This variant is rare: allelic frequency of 0.0044% in gnomAD v4.1.0 database (PM2). In silico analysis are non concluant.Detected in trans with a pathogenic variant (PM3) and cosegregation with hematuria in the same family (PP1)

Centre de Génétique Humaine, Institut de Pathologie Et de Génétique
Classification: Likely pathogenic for Autosomal dominant Alport syndrome. Last evaluated: 2026-06-03. Review status: criteria provided, single submitter. Criteria: ACMG Guidelines, 2015. Collection method: clinical testing. Allele origin: paternal. Inheritance: Autosomal dominant inheritance. Affected: yes. Observed: 1 variant allele, 1 heterozygote. Segregation with disease observed.
Comment: This missense variant involves a weakly conserved arginine located in the carboxy-terminal domaine (PP2). This variant is rare: allelic frequency of 0.0044% in gnomAD v4.1.0 database (PM2). In silico analysis are non concluant. Detected in trans with a pathogenic variant (PM3) and cosegregation with hematuria in the same family (PP1)

Labcorp Genetics (formerly Invitae), Labcorp
Classification: Likely benign. Last evaluated: 2026-01-13. Review status: criteria provided, single submitter. Criteria: Invitae Variant Classification Sherloc (09022015). Collection method: clinical testing. Allele origin: germline.

Genomic Medicine Center of Excellence, King Faisal Specialist Hospital and Research Centre
Classification: Uncertain significance for Autosomal recessive Alport syndrome. Last evaluated: 2024-03-25. Review status: criteria provided, single submitter. Criteria: ACMG Guidelines, 2015. Collection method: research. Allele origin: germline.

Victorian Clinical Genetics Services, Murdoch Childrens Research Institute
Classification: Uncertain significance for Alport syndrome. Last evaluated: 2022-02-02. Review status: criteria provided, single submitter. Criteria: ACMG Guidelines, 2015. Collection method: clinical testing. Allele origin: germline. Affected: yes.
Comment: Based on the classification scheme VCGS_Germline_v1.3.4, this variant is classified as VUS-3B. Following criteria are met: 0103 - Loss-of-function is a known mechanism of disease for this gene and is associated with COL4A4-related nephropathy. Dominant negative is a suspected mechanism of disease for this gene as it is a structural protein (PMIDs: 12028435; 24046192). (I) 0108 - This gene is associated with both recessive and dominant disease. Alport syndrome typically has biallelic inheritance, although rare cases of monoallelic inheritance have been reported (PMID: 28704582). TBMN and focal segmental glomerulosclerosis (FSGS) are associated with autosomal dominant inhertitance (OMIM, PMID: 16467446; 17942953). (I) 0200 - Variant is predicted to result in a missense amino acid change from arginine to cysteine. (I) 0251 - This variant is heterozygous. (I) 0304 - Variant is present in gnomAD (v2) <0.01 (19 heterozygotes, 0 homozygotes). (SP) 0309 - An alternative amino acid change at the same position has been observed in gnomAD (v2) (8 heterozygotes, 0 homozygotes). (I) 0502 - Missense variant with consistently pathogenic in silico predictions and the same amino acid change has been observed in placental mammals. (I) 0600 - Variant is located in one of two C-terminal tandem domains (NCBI). (I) 0705 - No comparable missense variants have previous evidence for pathogenicity. However, a variant of weaker Grantham change (p.(Arg1560His)), was reported as a VUS in the Deafness database and as likely benign in a cohort with nephrotic syndrome (PMID: 28658201). (I) 0809 - Previous evidence of pathogenicity for this variant is inconclusive. This variant has been reported several times by ClinVar and once in the Deafness database, as a VUS. It has also been classified as benign by VKGL (LOVD), and observed in another patient with proteinuria and thin glomerular basement membrane (VCGS). (I) 0905 - No published segregation evidence has been identified for this variant. (I) 1007 - No published functional evidence has been identified for this variant. (I) 1102 - Strong phenotype match for this individual. (SP) 1208 - Inheritance information for this variant is not currently available in this individual. (I) Legend: (SP) - Supporting pathogenic, (I) - Information, (SB) - Supporting benign

Baylor Genetics
Classification: Uncertain significance for Autosomal recessive Alport syndrome. Last evaluated: 2020-08-17. Review status: criteria provided, single submitter. Criteria: ACMG Guidelines, 2015. Collection method: clinical testing. Allele origin: unknown. Affected: yes.
Comment: This variant was determined to be of uncertain significance according to ACMG Guidelines, 2015 [PMID:25741868].

GeneDx
Classification: Uncertain significance. Last evaluated: 2020-07-06. Review status: criteria provided, single submitter. Criteria: GeneDx Variant Classification Process June 2021. Collection method: clinical testing. Allele origin: germline. Affected: yes.
Comment: In silico analysis supports that this missense variant has a deleterious effect on protein structure/function; Has not been previously published as pathogenic or benign to our knowledge

Ambry Genetics
Classification: Uncertain significance for Inborn genetic diseases. Last evaluated: 2020-06-04. Review status: criteria provided, single submitter. Criteria: Ambry Variant Classification Scheme 2023. Collection method: clinical testing. Allele origin: germline.
Comment: The alteration results in an amino acid change:_x000D_ _x000D_ The c.4678C>T (p.R1560C) alteration is located in exon 47 (coding exon 46) of the COL4A4 gene. This alteration results from a C to T substitution at nucleotide position 4678, causing the arginine (R) at amino acid position 1560 to be replaced by a cysteine (C). The alteration has been observed in population databases: _x000D_ _x000D_ Based on data from the Genome Aggregation Database (gnomAD), the c.4678C>T alteration was observed in 0.0068% (19/280,236) of total alleles studied, with a frequency of 0.011% (14/128,228) in the non-Finnish European subpopulation. The altered amino acid is not conserved throughout evolution:_x000D_ _x000D_ The p.R1560 amino acid is not conserved in available vertebrate species. The alteration is predicted tolerated by in silico modeling:_x000D_ _x000D_ The p.R1560C alteration is predicted to be tolerated by in silico analysis. Based on insufficient or conflicting evidence, the clinical significance of this alteration remains unclear.

Illumina Laboratory Services, Illumina
Classification: Uncertain significance for Alport syndrome. Last evaluated: 2018-01-13. Review status: criteria provided, single submitter. Criteria: ICSL Variant Classification Criteria 13 December 2019. Collection method: clinical testing. Allele origin: germline.

Center for Computational Biology & Bioinformatics, University of California, San Diego
Classification: Uncertain significance for Meniere disease. Last evaluated: 2024-06-03. Review status: no assertion criteria provided. Collection method: research. Allele origin: germline. Affected: yes. Not counted in ClinVar's aggregate classification.

Natera, Inc.
Classification: Uncertain significance for Alport syndrome. Last evaluated: 2019-10-28. Review status: no assertion criteria provided. Collection method: clinical testing. Allele origin: germline. Not counted in ClinVar's aggregate classification.

Bioscientia Institut fuer Medizinische Diagnostik GmbH, Sonic Healthcare
Classification: Uncertain significance for Autosomal dominant Alport syndrome. Last evaluated: 2019-03-26. Review status: no assertion criteria provided. Collection method: clinical testing. Allele origin: germline. Affected: yes. Not counted in ClinVar's aggregate classification.

Literature cited by the submitters: PubMed 12028435 (cited by Victorian Clinical Genetics Services, Murdoch Childrens Research Institute); PubMed 16467446 (cited by Victorian Clinical Genetics Services, Murdoch Childrens Research Institute); PubMed 17942953 (cited by Victorian Clinical Genetics Services, Murdoch Childrens Research Institute); PubMed 24046192 (cited by Victorian Clinical Genetics Services, Murdoch Childrens Research Institute); PubMed 28658201 (cited by Victorian Clinical Genetics Services, Murdoch Childrens Research Institute); PubMed 28704582 (cited by Victorian Clinical Genetics Services, Murdoch Childrens Research Institute).